The following is an entry in ClinVar:

ClinVar aggregate classification (germline): Uncertain significance (1 of 4 stars; one submission).

gnomAD v4.1: 2 of 1,238,122 alleles (0.00016%); highest among the groups gnomAD compares: Non-Finnish European, 0.0002%; no homozygotes.

Submission:

Quest Diagnostics Nichols Institute San Juan Capistrano
Classification: Uncertain significance. Last evaluated: 2024-11-03. Review status: criteria provided, single submitter. Criteria: Quest Diagnostics criteria. Collection method: clinical testing. Allele origin: unknown.
Comment: The PTCH1 c.16A>C (p.Asn6His) variant has not been reported in individuals with PTCH1-related conditions in the published literature. It also has not been reported in large, multi-ethnic general populations (Genome Aggregation Database). Analysis of this variant using bioinformatics tools for the prediction of the effect of amino acid changes on protein structure and function yielded predictions that this variant is benign. Based on the available information, we are unable to determine the clinical significance of this variant.

NM_000264.5(PTCH1):c.16A>C (p.Asn6His)

Genes: PTCH1 (patched 1; minus strand), LOC130002133 (ATAC-STARR-seq lymphoblastoid silent region 20071; plus strand). Cytogenetic location: 9q22.32.
Variant type: single nucleotide variant.
Coding change: c.16A>C on transcript NM_000264.5 (MANE Select); coding-DNA position 16, A replaced by C.
Protein change: p.Asn6His; replaces asparagine 6 with histidine.
Molecular consequence: missense variant. On other transcripts: non-coding transcript variant (1), intron variant (3).
Genome position (GRCh38, 1-based): chr9:95,508,346, T>G on the plus strand (A>C on the coding strand, the complement: PTCH1 is on the minus strand). VCF-style: chr9-95508346-T-G. GRCh37 (hg19) VCF-style: chr9-98270628-T-G.
Other names: c.16A>C, p.Asn6His (NM_001354918.2); c.199-1747A>C (NM_001083603.3); c.4-1747A>C (NM_001083602.3, NM_001354919.2); short protein forms N6H.
Identifiers: ClinVar variation 3572021 (VCV003572021.1).
Genomic context (GRCh38, chr9:95,508,346, plus strand): 5'-GTCCCGGGGCACCGATACAGCCGCTGCCGCCGCCGCCGCGGTCCTGGGGCTCGGCGGCGT[T>G]ACCAGCCGAGGCCATGTTGCCGCCGCCGCCGCCGCCGCCGCGGGGACGGAGGCTTCCCGG-3'
Protein context (NP_000255.2, residues 1-16): MASAG[Asn6His]AAEPQDRGGG